The following is an entry in ClinVar:

NM_001220.5(CAMK2B):c.611T>C (p.Leu204Pro)

Gene: CAMK2B (calcium/calmodulin dependent protein kinase II beta; minus strand). Cytogenetic location: 7p13.
Variant type: single nucleotide variant.
Coding change: c.611T>C on transcript NM_001220.5 (MANE Select); coding-DNA position 611, T replaced by C.
Protein change: p.Leu204Pro; replaces leucine 204 with proline.
Molecular consequence: missense variant.
Genome position (GRCh38, 1-based): chr7:44,242,645, A>G on the plus strand (T>C on the coding strand, the complement: CAMK2B is on the minus strand). VCF-style: chr7-44242645-A-G. GRCh37 (hg19) VCF-style: chr7-44282244-A-G.
Other names: c.611T>C, p.Leu204Pro (NM_001293170.2, NM_172078.3, NM_172079.3 and 5 more transcripts); short protein forms L204P.
Identifiers: ClinVar variation 1321922 (VCV001321922.4), dbSNP rs2128968013, ClinGen allele CA367365286.
Genomic context (GRCh38, chr7:44,242,645, plus strand): 5'-TGGTACAGCTTGTGCTGGTCCTCGTCCCAGAAGGGTGGGTAGCCCACGAGCAGGATGTAC[A>G]GGATCACCCCTGCGGATGGGGCCTGTGAGCACCGCAGCCACTTGCAGGGTGCCACCGTCC-3'
Protein context (NP_001211.3, residues 194-214): PVDIWACGVI[Leu204Pro]YILLVGYPPF

ClinVar aggregate classification (germline): Uncertain significance. Review status: criteria provided, multiple submitters, no conflicts (2 of 4 stars). 2 submissions from 2 submitters: Uncertain significance (2). Last evaluated 2022-11-03.

Conditions:
Neurodevelopmental disorder. Identifiers: MedGen C1535926, MeSH D065886, MONDO:0700092.

Submissions (2):

Labcorp Genetics (formerly Invitae), Labcorp
Classification: Uncertain significance. Last evaluated: 2022-11-03. Review status: criteria provided, single submitter. Criteria: Invitae Variant Classification Sherloc (09022015). Collection method: clinical testing. Allele origin: germline.
Comment: This variant has not been reported in the literature in individuals affected with CAMK2B-related conditions. ClinVar contains an entry for this variant (Variation ID: 1321922). Algorithms developed to predict the effect of missense changes on protein structure and function (SIFT, PolyPhen-2, Align-GVGD) all suggest that this variant is likely to be disruptive. In summary, the available evidence is currently insufficient to determine the role of this variant in disease. Therefore, it has been classified as a Variant of Uncertain Significance. This sequence change replaces leucine, which is neutral and non-polar, with proline, which is neutral and non-polar, at codon 204 of the CAMK2B protein (p.Leu204Pro). This variant is not present in population databases (gnomAD no frequency).

Laboratory of Molecular Genetics (Pr. Bezieau's lab), CHU de Nantes
Classification: Uncertain significance for Neurodevelopmental disorder. Last evaluated: 2021-04-23. Review status: criteria provided, single submitter. Criteria: ACMG Guidelines, 2015. Collection method: clinical testing. Allele origin: germline. Affected: yes.